The following continues an entry in ClinVar:

NM_001005242.3(PKP2):c.2065_2070delinsG (p.His689fs)

Gene: PKP2. ClinVar aggregate classification (germline): Pathogenic. Pathogenic (21).

Submissions 9 to 22 of 22:

Color Diagnostics, LLC DBA Color Health
Classification: Pathogenic for Cardiomyopathy. Last evaluated: 2024-04-11. Review status: criteria provided, single submitter. Criteria: ACMG Guidelines, 2015. Collection method: clinical testing. Allele origin: germline.
Comment: This variant deletes 5 nucleotides and inserts 1 nucleotide in exon 11 of the PKP2 gene, creating a frameshift and premature translation stop signal. This variant is expected to result in an absent or non-functional protein product. This variant has been reported in over 20 unrelated individuals affected with arrhythmogenic right ventricular cardiomyopathy (PMID: 16415378, 16549640, 19880068, 20400443, 20152563, 20857253, 22458570, 23812740, 27532257, 34469894, 16415378, 34469894). It has been shown that this variant segregates with disease in multiple affected individuals across multiple families (PMID: 16415378, 34469894). This variant has not been identified in the general population by the Genome Aggregation Database (gnomAD). Loss of PKP2 function is a known mechanism of disease. Based on the available evidence, this variant is classified as Pathogenic.

Fulgent Genetics
Classification: Pathogenic for Arrhythmogenic right ventricular dysplasia 9. Last evaluated: 2024-03-27. Review status: criteria provided, single submitter. Criteria: ACMG Guidelines, 2015. Collection method: clinical testing. Allele origin: germline.

Clinical Genetics Laboratory, Skane University Hospital Lund
Classification: Pathogenic. Last evaluated: 2024-03-01. Review status: criteria provided, single submitter. Criteria: ACMG Guidelines, 2015. Collection method: clinical testing. Allele origin: germline. Affected: yes.

ARUP Laboratories, Molecular Genetics and Genomics, ARUP Laboratories
Classification: Pathogenic for Arrhythmogenic right ventricular dysplasia 9. Last evaluated: 2023-12-14. Review status: criteria provided, single submitter. Criteria: ARUP Molecular Germline Variant Investigation Process 2024. Collection method: clinical testing. Allele origin: germline.
Comment: The PKP2 c.2197_2202delinsG; p.His733AlafsTer8 variant (rs397517021), is reported in the literatures in greater than 25 individuals affected with familial arrhythmogenic right ventricular cardiomyopathy (Syrris 2006, Walsh 2017), with phenotypes co-segregated in three independent families (Syrris 2006). This variant is also reported in ClinVar (Variation ID: 45063), and it is absent from the Genome Aggregation Database, indicating it is not a common polymorphism. This variant causes a frameshift by deleting 6 nucleotides and inserting 1 nucleotide, so it is predicted to result in a truncated protein or mRNA subject to nonsense-mediated decay. Based on available information, this variant is considered to be pathogenic.

Greenwood Genetic Center Diagnostic Laboratories, Greenwood Genetic Center
Classification: Pathogenic for Arrhythmogenic right ventricular dysplasia 9. Last evaluated: 2023-01-25. Review status: criteria provided, single submitter. Criteria: ACMG Guidelines, 2015. Collection method: clinical testing. Allele origin: germline.
Comment: PVS1, PS4_Supporting, PM2

Genetics and Molecular Pathology, SA Pathology
Classification: Pathogenic for Arrhythmogenic right ventricular dysplasia 9. Last evaluated: 2022-06-01. Review status: criteria provided, single submitter. Criteria: ACMG Guidelines, 2015. Collection method: clinical testing. Allele origin: germline. Affected: yes.

CHEO Genetics Diagnostic Laboratory, Children's Hospital of Eastern Ontario
Classification: Pathogenic for Cardiomyopathy. Last evaluated: 2021-11-17. Review status: criteria provided, single submitter. Criteria: ACMG Guidelines, 2015. Collection method: clinical testing. Allele origin: germline.

Institute of Medical Genetics and Applied Genomics, University Hospital Tübingen
Classification: Pathogenic. Last evaluated: 2020-10-23. Review status: criteria provided, single submitter. Criteria: ACMG Guidelines, 2015. Collection method: clinical testing. Allele origin: germline. Inheritance: Unknown mechanism. Affected: yes.

HudsonAlpha Institute for Biotechnology
Classification: Pathogenic for Arrhythmogenic right ventricular dysplasia 9. Last evaluated: 2019-12-13. Review status: criteria provided, single submitter. Criteria: ACMG Guidelines, 2015. Collection method: research. Allele origin: maternal, unknown. Observed: 2 heterozygotes. Study: HudsonAlpha-AGHI-WGS.

Women's Health and Genetics/Laboratory Corporation of America, LabCorp
Classification: Pathogenic for Familial isolated arrhythmogenic right ventricular dysplasia. Last evaluated: 2016-09-14. Review status: criteria provided, single submitter. Criteria: LabCorp Variant Classification Summary - May 2015. Collection method: clinical testing. Allele origin: germline.
Comment: Variant summary: The PKP2 c.2197_2202delinsG (p.His733Alafs) variant results in a premature termination codon, predicted to cause a truncated or absent PKP2 protein due to nonsense mediated decay, which are commonly known mechanisms for disease. Truncations located downstream of this position have been classified as pathogenic by our laboratory (e.g. p.Ser837fs). Mutation taster predicts a damaging outcome for this variant. This variant was absent in 121800 control chromosomes while it was reported in several ARVD patients, and segregated with disease in at least one family, indicating causality. In addition, multiple clinical diagnostic laboratories/reputable databases classified this variant as pathogenic. Taken together, this variant was classified as pathogenic.

Laboratory for Molecular Medicine, Mass General Brigham Personalized Medicine
Classification: Pathogenic for Arrhythmogenic right ventricular cardiomyopathy. Last evaluated: 2015-05-26. Review status: criteria provided, single submitter. Criteria: LMM Criteria. Collection method: clinical testing. Allele origin: germline. Inheritance: Autosomal dominant inheritance. Observed: 16 variant alleles.
Comment: The p.His733fs variant in PKP2 has been identified in >20 individuals with ARVC and was absent from at least 1600 control chromosomes (Syrris 2006, Dalal 2006, Watkins 2009, Xu 2010, Tan 2010, Fressart 2010, Rajkumar 2012, Baskin 2013, LMM unpublished data - please note that several studies refer to this variant as p.A la733fs). In addition, this variant was observed to segregate with disease in 6 affected relatives from 3 families (Syrris 2006, LMM unpublished data). This var iant is predicted to cause a frameshift, which alters the protein's amino acid s equence beginning at codon 733 and leads to a premature stop codon 8 amino acids downstream. This alteration is then predicted to lead to a truncated or absent protein. Frameshift and other truncating variants in PKP2 are well-reported in i ndividuals with ARVC (ARVD/C Genetic Variant Database; Human Gene Mutation Database). In summary, this variant meets our criteria to b e classified as pathogenic for ARVC in an autosomal dominant manner (.) based upon segregation studies and the pr edicted impact of the variant.

Stanford Center for Inherited Cardiovascular Disease, Stanford University
Classification: Pathogenic. Last evaluated: 2011-07-01. Review status: criteria provided, single submitter. Criteria: ACMG Guidelines, 2015. Collection method: provider interpretation. Allele origin: germline.

Clinical Genetics Service, Universitary Hospital 12 de Octubre
Classification: Pathogenic for Arrhythmogenic right ventricular dysplasia 9. Review status: criteria provided, single submitter. Criteria: ACMG Guidelines, 2015. Collection method: clinical testing. Allele origin: germline. Affected: yes.

PreventionGenetics, part of Exact Sciences
Classification: Pathogenic for PKP2-related condition. Last evaluated: 2024-09-05. Review status: no assertion criteria provided. Collection method: clinical testing. Allele origin: germline. Not counted in ClinVar's aggregate classification.
Comment: The PKP2 c.2197_2202delinsG variant is predicted to result in a frameshift and premature protein termination (p.His733Alafs*8). This variant has been reported in numerous individuals with arrhythmogenic right ventricular dysplasia (ARVC/D) (see, for example, Syrris et al. 2006. PubMed ID: 16415378; Table S2, Philips et al. 2014. PubMed ID: 24585727; Table S1A, Walsh et al. 2016. PubMed ID: 27532257) and was shown to segregate with ARVC in two families (Syrris et al. 2006. PubMed ID: 16415378). It has also been reported in asymptomatic ARVC carriers, which can be attributed to the known reduced penetrance and variable expressivity in PKP2 pathogenic variants (Perrin et al. 2013. PubMed ID: 23810883). In gnomAD, the c.2197_2202delinsG variant appears as two separate allele calls (12-32955433-GGGTGT-G; 12-32955439-G-C), but review of underlying data shows the variants are present occur in cis (on the same allele) in 5 heterozygous individuals. Frameshift variants in PKP2 are expected to be pathogenic. This variant is interpreted as pathogenic.

Literature cited by the submitters: PubMed 16415378 (cited by 9 submitters); PubMed 23183494 (cited by Victorian Clinical Genetics Services, Murdoch Childrens Research Institute); PubMed 17010805 (cited by Victorian Clinical Genetics Services, Murdoch Childrens Research Institute); PubMed 35059364 (cited by Victorian Clinical Genetics Services, Murdoch Childrens Research Institute); PubMed 28588093 (cited by Victorian Clinical Genetics Services, Murdoch Childrens Research Institute and All of Us Research Program, National Institutes of Health); PubMed 38050058 (cited by Victorian Clinical Genetics Services, Murdoch Childrens Research Institute); PubMed 30562116 (cited by Victorian Clinical Genetics Services, Murdoch Childrens Research Institute); PubMed 15489853 (cited by 3 submitters); PubMed 17041889 (cited by Labcorp Genetics (formerly Invitae), Labcorp and Variantyx, Inc.); PubMed 23911551 (cited by 3 submitters); PubMed 20031617 (cited by 3 submitters); PubMed 20400443 (cited by 5 submitters); PubMed 23307527 (cited by Labcorp Genetics (formerly Invitae), Labcorp); PubMed 23810883 (cited by Labcorp Genetics (formerly Invitae), Labcorp and Laboratory for Molecular Medicine, Mass General Brigham Personalized Medicine); PubMed 24585727 (cited by Labcorp Genetics (formerly Invitae), Labcorp and Laboratory for Molecular Medicine, Mass General Brigham Personalized Medicine); PubMed 27532257 (cited by 5 submitters); PubMed 30161220 (cited by Labcorp Genetics (formerly Invitae), Labcorp); PubMed 16549640 (cited by 6 submitters); PubMed 23812740 (cited by 4 submitters); PubMed 19880068 (cited by 5 submitters); PubMed 22458570 (cited by 4 submitters); PubMed 34469894 (cited by 3 submitters); PubMed 30790397 (cited by North West Genomic Laboratory Hub, Manchester University NHS Foundation Trust); PubMed 20152563 (cited by Color Diagnostics, LLC DBA Color Health and Laboratory for Molecular Medicine, Mass General Brigham Personalized Medicine); PubMed 20857253 (cited by Color Diagnostics, LLC DBA Color Health and Laboratory for Molecular Medicine, Mass General Brigham Personalized Medicine); PubMed 23671136 (cited by Laboratory for Molecular Medicine, Mass General Brigham Personalized Medicine); PubMed 23871885 (cited by Laboratory for Molecular Medicine, Mass General Brigham Personalized Medicine); PubMed 23810894 (cited by Laboratory for Molecular Medicine, Mass General Brigham Personalized Medicine); PubMed 21606390 (cited by Laboratory for Molecular Medicine, Mass General Brigham Personalized Medicine).